The following is an entry in ClinVar:

ClinVar aggregate classification (germline): Benign/Likely benign. Review status: criteria provided, multiple submitters, no conflicts (2 of 4 stars). 2 submissions from 2 submitters: Benign (1); Likely benign (1). Last evaluated 2026-03-03.

Conditions:
Familial cancer of breast. Also called: Hereditary breast cancer; hereditary breast carcinoma; BREAST CANCER, FAMILIAL. Identifiers: Orphanet 227535, MedGen C0346153, MONDO:0016419, OMIM 114480. Disease mechanism: loss of function.
Hereditary cancer-predisposing syndrome. Also called: Tumor predisposition; Hereditary Cancer Syndrome; Hereditary neoplastic syndrome; Neoplastic Syndromes, Hereditary. Identifiers: Orphanet 140162, MedGen C0027672, MeSH D009386, MONDO:0015356.

Submissions (2):

Ambry Genetics
Classification: Likely benign for Hereditary cancer-predisposing syndrome. Last evaluated: 2026-03-03. Review status: criteria provided, single submitter. Criteria: Ambry Variant Classification Scheme 2023. Collection method: clinical testing. Allele origin: germline.

Myriad Genetics, Inc.
Classification: Benign for Familial cancer of breast. Last evaluated: 2024-04-22. Review status: criteria provided, single submitter. Criteria: Myriad Autosomal Dominant, Autosomal Recessive and X-Linked Classification Criteria (2023). Collection method: clinical testing. Allele origin: unknown.
Comment: This variant is considered benign. This variant is a silent/synonymous amino acid change and it is not expected to impact splicing.

NM_000051.4(ATM):c.720C>G (p.Leu240=)

Gene: ATM (ATM serine/threonine kinase; plus strand). Cytogenetic location: 11q22.3.
Variant type: single nucleotide variant.
Coding change: c.720C>G on transcript NM_000051.4 (MANE Select); coding-DNA position 720, C replaced by G.
Protein change: p.Leu240=; no amino-acid change (leucine 240 retained).
Molecular consequence: synonymous variant.
Genome position (GRCh38, 1-based): chr11:108,244,845, C>G. VCF-style: chr11-108244845-C-G. GRCh37 (hg19) VCF-style: chr11-108115572-C-G.
Other names: c.720C>G, p.Leu240= (NM_001351834.2).
Identifiers: ClinVar variation 3254198 (VCV003254198.2), dbSNP rs1254593530.